The following is an entry in ClinVar:

ClinVar aggregate classification (germline): Uncertain significance. Review status: reviewed by expert panel (3 of 4 stars). 2 submissions from 2 submitters: Uncertain significance (1). 1 of the submissions does not count toward it. Last evaluated 2024-09-12.

Conditions:
Hereditary thrombocytopenia and hematological cancer predisposition syndrome associated with RUNX1. Also called: Familial Platelet Disorder with Propensity to Acute Myelogenous Leukemia; Familial thrombocytopenia with propensity to acute myelogenous leukemia; PLATELET DISORDER, ASPIRIN-LIKE; RUNX1 Familial Platelet Disorder with Associated Myeloid Malignancies. Identifiers: Orphanet 71290, MedGen C1832388, MeSH C563324, MONDO:0100083, OMIM 601399.
Hereditary thrombocytopenia and hematologic cancer predisposition syndrome. Identifiers: Orphanet 71290, MedGen CN281654, MONDO:0011071.

Submissions (2):

ClinGen Myeloid Malignancy Variant Curation Expert Panel
Classification: Uncertain significance for Hereditary thrombocytopenia and hematologic cancer predisposition syndrome. Last evaluated: 2024-09-12. Review status: reviewed by expert panel. Criteria: ClinGen MyeloMalig ACMG Specifications v2. Collection method: curation. Allele origin: germline. Inheritance: Autosomal dominant inheritance.
Comment: NM_001754.5(RUNX1):c.352-12_352-9del is an intronic deletion outside of the typical splicing region. It is not predicted to impact splicing, with a SpliceAI score ≤ 0.20 (0.01) (BP4). This variant is completely absent from all population databases with at least 20x coverage for RUNX1 (PM2_Supporting). In summary, the clinical significance of this variant is uncertain. ACMG/AMP criteria applied, as specified by the Myeloid Malignancy Variant Curation Expert Panel for RUNX1: PM2_Supporting, BP4.

Labcorp Genetics (formerly Invitae), Labcorp
Classification: Likely benign for Hereditary thrombocytopenia and hematological cancer predisposition syndrome associated with RUNX1. Last evaluated: 2020-10-21. Review status: criteria provided, single submitter. Criteria: Invitae Variant Classification Sherloc (09022015). Collection method: clinical testing. Allele origin: germline. Not counted in ClinVar's aggregate classification.

NM_001754.5(RUNX1):c.352-12_352-9del

Genes: RUNX1 (RUNX family transcription factor 1; minus strand), RUNX1-AS1 (RUNX1 antisense RNA 1; plus strand). Cytogenetic location: 21q22.12.
Variant type: Deletion.
Coding change: c.352-12_352-9del on transcript NM_001754.5 (MANE Select); 12 bases into the intron before coding-DNA position 352 through 9 bases into the intron before coding-DNA position 352, 4 bases deleted (ACTG; older notation c.352-12_352-9delACTG).
Molecular consequence: intron variant.
Genome position (GRCh38, 1-based): chr21:34,880,722-34,880,725, CAGT deleted on the plus strand (ACTG on the coding strand, the reverse complement: RUNX1 is on the minus strand); deleting any 4 consecutive bases within chr21:34,880,722-34,880,727 gives the same sequence; the c. name uses the placement nearest the transcript's 3' end. VCF-style (leftmost placement, unchanged base first): chr21-34880721-CCAGT-C. GRCh37 (hg19) VCF-style: chr21-36253018-CCAGT-C.
Other names: c.271-12_271-9del (NM_001001890.3, NM_001122607.2).
Identifiers: ClinVar variation 1142221 (VCV001142221.10), dbSNP rs2146364222, ClinGen allele CA2499225878.